The following is an entry in ClinVar:

ClinVar aggregate classification (germline): Uncertain significance. Review status: criteria provided, multiple submitters, no conflicts (2 of 4 stars). 2 submissions from 2 submitters: Uncertain significance (2). Last evaluated 2025-12-20.

Submissions (2):

Labcorp Genetics (formerly Invitae), Labcorp
Classification: Uncertain significance. Last evaluated: 2025-12-20. Review status: criteria provided, single submitter. Criteria: Invitae Variant Classification Sherloc (09022015). Collection method: clinical testing. Allele origin: germline.
Comment: This sequence change replaces histidine, which is basic and polar, with proline, which is neutral and non-polar, at codon 114 of the BMP2 protein (p.His114Pro). This variant is present in population databases (rs368974118, gnomAD 0.004%). This variant has not been reported in the literature in individuals affected with BMP2-related conditions. ClinVar contains an entry for this variant (Variation ID: 3337857). An algorithm developed to predict the effect of missense changes on protein structure and function (PolyPhen-2) suggests that this variant is likely to be tolerated. In summary, the available evidence is currently insufficient to determine the role of this variant in disease. Therefore, it has been classified as a Variant of Uncertain Significance.

Clinical Genetics Laboratory, Skane University Hospital Lund
Classification: Uncertain significance. Last evaluated: 2022-05-27. Review status: criteria provided, single submitter. Criteria: ACMG Guidelines, 2015. Collection method: clinical testing. Allele origin: germline. Affected: yes.

NM_001200.4(BMP2):c.341A>C (p.His114Pro)

Gene: BMP2 (bone morphogenetic protein 2; plus strand). Cytogenetic location: 20p12.3.
Variant type: single nucleotide variant.
Coding change: c.341A>C on transcript NM_001200.4 (MANE Select); coding-DNA position 341, A replaced by C.
Protein change: p.His114Pro; replaces histidine 114 with proline.
Molecular consequence: missense variant.
Genome position (GRCh38, 1-based): chr20:6,770,467, A>C. VCF-style: chr20-6770467-A-C. GRCh37 (hg19) VCF-style: chr20-6751114-A-C.
Other names: short protein forms H114P.
Identifiers: ClinVar variation 3337857 (VCV003337857.2).